The following is an entry in ClinVar:

NM_031407.7(HUWE1):c.413T>C (p.Leu138Pro)

Gene: HUWE1 (HECT, UBA and WWE domain containing E3 ubiquitin protein ligase 1; minus strand). Cytogenetic location: Xp11.22.
Variant type: single nucleotide variant.
Coding change: c.413T>C on transcript NM_031407.7 (MANE Select); coding-DNA position 413, T replaced by C.
Protein change: p.Leu138Pro; replaces leucine 138 with proline.
Molecular consequence: missense variant.
Genome position (GRCh38, 1-based): chrX:53,645,402, A>G on the plus strand (T>C on the coding strand, the complement: HUWE1 is on the minus strand). VCF-style: chrX-53645402-A-G. GRCh37 (hg19) VCF-style: chrX-53672354-A-G.
Other names: c.413T>C, p.Leu138Pro (NM_001441048.1, NM_001441049.1, NM_001441050.1 and 8 more transcripts); short protein forms L138P.
Identifiers: ClinVar variation 5019936 (VCV005019936.1).
Genomic context (GRCh38, chrX:53,645,402, plus strand): 5'-GGGGTCCTCTTGTCAGATCCCAGACGAGTGATGTAGTTTGATCTTTTGCTAAATACATAT[A>G]GGAGATTGAGGACTGCCAGCACCACTTGCATATCAGAGGAAGCCAATAAAGTTGTCAAAT-3'
Protein context (NP_113584.3, residues 128-148): MQVVLAVLNL[Leu138Pro]YVFSKRSNYI

ClinVar aggregate classification (germline): Uncertain significance (1 of 4 stars; one submission).

Conditions:
Intellectual developmental disorder, X-linked, syndromic, Turner type. Also called: X-linked intellectual disability, Turner type; Intellectual disability, X-linked syndromic, Turner type. Identifiers: Orphanet 3056, Orphanet 85328, MedGen C2678046, MONDO:0010407, OMIM 309590.

Submission:

Juno Genomics, Hangzhou Juno Genomics, Inc
Classification: Uncertain significance for Intellectual developmental disorder, X-linked, syndromic, Turner type. Review status: criteria provided, single submitter. Criteria: ACMG Guidelines, 2015. Collection method: clinical testing. Allele origin: germline. Affected: yes.
Comment: Absent from controls (or at extremely low frequency if recessive) in Genome Aggregation Database.;Multiple lines of computational evidence support a deleterious effect on the gene or gene product.